The following is an entry in ClinVar:

NM_000371.4(TTR):c.258A>T (p.Glu86Asp)

Gene: TTR (transthyretin; plus strand). Cytogenetic location: 18q12.1.
Variant type: single nucleotide variant.
Coding change: c.258A>T on transcript NM_000371.4 (MANE Select); coding-DNA position 258, A replaced by T.
Protein change: p.Glu86Asp; replaces glutamic acid 86 with aspartic acid.
Molecular consequence: missense variant.
Genome position (GRCh38, 1-based): chr18:31,595,177, A>T. VCF-style: chr18-31595177-A-T. GRCh37 (hg19) VCF-style: chr18-29175140-A-T.
Other names: short protein forms E86D.
Identifiers: ClinVar variation 935886 (VCV000935886.10), dbSNP rs2073510816, ClinGen allele CA402157002.
Genomic context (GRCh38, chr18:31,595,177, plus strand): 5'-TAGGAAAACCAGTGAGTCTGGAGAGCTGCATGGGCTCACAACTGAGGAGGAATTTGTAGA[A>T]GGGATATACAAAGTGGAAATAGACACCAAATCTTACTGGAAGGCACTTGGCATCTCCCCA-3'
Protein context (NP_000362.1, residues 76-96): HGLTTEEEFV[Glu86Asp]GIYKVEIDTK

ClinVar aggregate classification (germline): Conflicting classifications of pathogenicity. Review status: criteria provided, conflicting classifications (1 of 4 stars). 2 submissions from 2 submitters: Likely pathogenic (1); Uncertain significance (1). Last evaluated 2023-05-24.

Conditions:
Amyloidosis, hereditary systemic 1 (AMYLD1). Also called: Isolated Cardiac Amyloidosis; Amyloid Cardiomyopathy, Transthyretin-related; Hereditary Transthyretin Amyloidosis; Familial amyloid polyneuropathy; Transthyretin Amyloidosis; Hereditary oculoleptomeningeal amyloid angiopathy. Identifiers: Orphanet 85447, Orphanet 85451, MedGen C2751492, MONDO:0971004, OMIM 105210.

Submissions (2):

Blueprint Genetics
Classification: Uncertain significance. Last evaluated: 2023-05-24. Review status: criteria provided, single submitter. Criteria: ACMG Guidelines, 2015. Collection method: clinical testing. Allele origin: germline.

Labcorp Genetics (formerly Invitae), Labcorp
Classification: Likely pathogenic for Amyloidosis, hereditary systemic 1. Last evaluated: 2022-09-06. Review status: criteria provided, single submitter. Criteria: Invitae Variant Classification Sherloc (09022015). Collection method: clinical testing. Allele origin: germline.
Comment: In summary, the currently available evidence indicates that the variant is pathogenic, but additional data are needed to prove that conclusively. Therefore, this variant has been classified as Likely Pathogenic. Advanced modeling of protein sequence and biophysical properties (such as structural, functional, and spatial information, amino acid conservation, physicochemical variation, residue mobility, and thermodynamic stability) performed at Invitae indicates that this missense variant is expected to disrupt TTR protein function. ClinVar contains an entry for this variant (Variation ID: 935886). This variant is also known as ATTR-E66D. This missense change has been observed in individual(s) with hereditary transthyretin-mediated amyloidosis (hATTR amyloidosis) (PMID: 34024775). This variant is not present in population databases (gnomAD no frequency). This sequence change replaces glutamic acid, which is acidic and polar, with aspartic acid, which is acidic and polar, at codon 86 of the TTR protein (p.Glu86Asp).

Literature cited by the submitters: PubMed 34024775 (cited by Labcorp Genetics (formerly Invitae), Labcorp).